The following is an entry in ClinVar:

NM_000334.4(SCN4A):c.4386C>G (p.Ile1462Met)

Genes: GH-LCR (growth hormone locus control region; plus strand), SCN4A (sodium voltage-gated channel alpha subunit 4; minus strand). Cytogenetic location: 17q23.3.
Variant type: single nucleotide variant.
Coding change: c.4386C>G on transcript NM_000334.4 (MANE Select); coding-DNA position 4386, C replaced by G.
Protein change: p.Ile1462Met; replaces isoleucine 1462 with methionine.
Molecular consequence: missense variant.
Genome position (GRCh38, 1-based): chr17:63,941,896, G>C on the plus strand (C>G on the coding strand, the complement: SCN4A is on the minus strand). VCF-style: chr17-63941896-G-C. GRCh37 (hg19) VCF-style: chr17-62019256-G-C.
Other names: short protein forms I1462M.
Identifiers: ClinVar variation 577938 (VCV000577938.28), dbSNP rs763827415, ClinGen allele CA8708978.
Genomic context (GRCh38, chr17:63,941,896, plus strand): 5'-GAGGGCAGGCAGCGACATCATGAGGGCGAACAGCAGCGTCCGGATGCCCTTGGCCCCGCG[G>C]ATCAGCCGCAGGACACGCCCAATCCGCGCCAGGCGGATCACACGGAACAGCGTGGGTGAC-3'
Protein context (NP_000325.4, residues 1452-1472): LARIGRVLRL[Ile1462Met]RGAKGIRTLL

ClinVar aggregate classification (germline): Uncertain significance. Review status: criteria provided, multiple submitters, no conflicts (2 of 4 stars). 12 submissions from 8 submitters: Uncertain significance (12). Last evaluated 2026-09-11.

Conditions:
Hyperkalemic periodic paralysis. Also called: Familial hyperkalemic periodic paralysis; Gamstorp disease. Identifiers: Orphanet 682, MedGen C0238357, MONDO:0008224, OMIM 170500, HP:0007215.
Congenital myasthenic syndrome 16. Identifiers: Orphanet 590, MedGen C3280112, MONDO:0013620, OMIM 614198.
Paramyotonia congenita of Von Eulenburg. Also called: Myotonia congenita intermittens; Von Eulenburg paramyotonia congenita; Paramyotonia Congenita; PARALYSIS PERIODICA PARAMYOTONICA; Eulenburg disease. Identifiers: Orphanet 684, MedGen C0221055, MONDO:0008195, OMIM 168300. Disease mechanism: loss of function.
Congenital myopathy 22A, classic (CMYO22A). Identifiers: MedGen C5830453, MONDO:0957247, OMIM 620351.
Congenital myopathy 22B, severe fetal (CMYO22B). Identifiers: MedGen C5830501, MONDO:0957265, OMIM 620369.
Hypokalemic periodic paralysis, type 2 (HOKPP2). Identifiers: Orphanet 681, MedGen C2750061, MONDO:0013234, OMIM 613345.
Potassium-aggravated myotonia. Also called: Myotonia congenita, atypical, acetazolamide-responsive; MYOTONIA CONGENITA, ACETAZOLAMIDE-RESPONSIVE; MYOTONIA CONGENITA, ATYPICAL; SODIUM CHANNEL MUSCLE DISEASE. Identifiers: Orphanet 612, Orphanet 99734, Orphanet 99735, Orphanet 99736, MedGen C2931826, MONDO:0018959, OMIM 608390.

Allele frequency attached by ClinVar (database versions not stated): TOPMed 0.00002; ExAC 0.00003; gnomAD exomes 0.00003 and 0.00008.
gnomAD v4.1: 48 of 1,613,302 alleles (0.003%); highest among the groups gnomAD compares: Non-Finnish European, 0.00051%; no homozygotes.

Submissions (12):

GeneDx
Classification: Uncertain significance. Last evaluated: 2026-09-11. Review status: criteria provided, single submitter. Criteria: GeneDx Variant Classification Process June 2021. Collection method: clinical testing. Allele origin: germline.
Comment: Reported in an individual with spontaneous activity on EMG, however it is unknown if this individual presented with other features of a myotonic disorder (PMID: 32670189); Reported in an individual with clinical and EMG evidence of myotonia; additional clinical details not provided (PMID: 30390395); In silico analysis supports that this missense variant has a deleterious effect on protein structure/function; This variant is associated with the following publications: (PMID: 33325393, 32670189, 30390395)

Labcorp Genetics (formerly Invitae), Labcorp
Classification: Uncertain significance for Hyperkalemic periodic paralysis. Last evaluated: 2025-12-14. Review status: criteria provided, single submitter. Criteria: Invitae Variant Classification Sherloc (09022015). Collection method: clinical testing. Allele origin: germline.
Comment: This sequence change replaces isoleucine, which is neutral and non-polar, with methionine, which is neutral and non-polar, at codon 1462 of the SCN4A protein (p.Ile1462Met). This variant is present in population databases (rs763827415, gnomAD 0.2%). This missense change has been observed in individual(s) with clinical features of myotonia (PMID: 32670189). ClinVar contains an entry for this variant (Variation ID: 577938). Invitae Evidence Modeling of protein sequence and biophysical properties (such as structural, functional, and spatial information, amino acid conservation, physicochemical variation, residue mobility, and thermodynamic stability) indicates that this missense variant is expected to disrupt SCN4A protein function with a positive predictive value of 80%. In summary, the available evidence is currently insufficient to determine the role of this variant in disease. Therefore, it has been classified as a Variant of Uncertain Significance.

Athena Diagnostics
Classification: Uncertain significance. Last evaluated: 2024-10-03. Review status: criteria provided, single submitter. Criteria: Athena Diagnostics Criteria. Collection method: clinical testing. Allele origin: unknown.
Comment: Available data are insufficient to determine the clinical significance of the variant at this time. The frequency of this variant in the general population is higher than would generally be expected for pathogenic variants in this gene. This variant has been identified in multiple unrelated individuals with myotonia, one of which responded to the sodium channel blocker ranolazine (PMID: 30390395, internal data (Athena Diagnostics), personal communication (ClinVar)). Polyphen and MutationTaster predict this amino acid change may be damaging to the protein. The variant is located in a region that is considered important for protein function and/or structure.

Pittsburgh Clinical Genomics Laboratory, University of Pittsburgh Medical Center
Classification: Uncertain significance for Potassium-aggravated myotonia. Last evaluated: 2024-07-02. Review status: criteria provided, single submitter. Criteria: ACMG Guidelines, 2015. Collection method: clinical testing. Allele origin: germline. Inheritance: Autosomal unknown. Affected: yes.
Comment: This sequence variant is a single nucleotide substitution (C>G) at position 4386 of the coding sequence of the SCN4A gene that results in an isoleucine to methionine amino acid change at residue 1462 of the sodium voltage-gated channel alpha subunit 4 protein. This residue falls in the repeat IV of the protein (UniProt) which plays a critical role in sodium voltage-gated channel alpha subunit 4's function. This is a previously reported variant (ClinVar 577938) that has been observed in individuals affected by myotonic disorder (PMID: 32670189). This variant is present in 22 of 402194 alleles (0.0055%) in the gnomAD population dataset. Multiple bioinformatic tools predict that this isoleucine to methionine amino acid change would be damaging, and the Ile1462 residue at this position is highly conserved across the vertebrate species examined. Studies examining the functional consequence of this variant have not been published, to our knowledge. At this time, there is insufficient evidence to determine if this variant is pathogenic or benign. Therefore, we consider this a variant of uncertain significance. ACMG Criteria: PM2, PP3

Fulgent Genetics
Classification: Uncertain significance for Paramyotonia congenita of Von Eulenburg; Hyperkalemic periodic paralysis; Potassium-aggravated myotonia; Hypokalemic periodic paralysis, type 2; Congenital myasthenic syndrome 16; Congenital myopathy 22A, classic; Congenital myopathy 22B, severe fetal. Last evaluated: 2024-04-05. Review status: criteria provided, single submitter. Criteria: ACMG Guidelines, 2015. Collection method: clinical testing. Allele origin: germline.

Revvity Omics, Revvity
Classification: Uncertain significance. Last evaluated: 2023-09-15. Review status: criteria provided, single submitter. Criteria: ACMG Guidelines, 2015. Collection method: clinical testing. Allele origin: germline.

MGZ Medical Genetics Center
Classification: Uncertain significance for Paramyotonia congenita of Von Eulenburg. Last evaluated: 2021-12-14. Review status: criteria provided, single submitter. Criteria: ACMG Guidelines, 2015. Collection method: clinical testing. Allele origin: germline. Affected: yes. Observed: 1 variant allele.
Comment: ACMG criteria applied: PM1, PM2_SUP, PP3

Illumina Laboratory Services, Illumina
Classification: Uncertain significance for Paramyotonia congenita of Von Eulenburg. Last evaluated: 2018-01-13. Review status: criteria provided, single submitter. Criteria: ICSL Variant Classification Criteria 13 December 2019. Collection method: clinical testing. Allele origin: germline.

Illumina Laboratory Services, Illumina
Classification: Uncertain significance for Hyperkalemic periodic paralysis. Last evaluated: 2018-01-13. Review status: criteria provided, single submitter. Criteria: ICSL Variant Classification Criteria 13 December 2019. Collection method: clinical testing. Allele origin: germline.

Illumina Laboratory Services, Illumina
Classification: Uncertain significance for Hypokalemic periodic paralysis, type 2. Last evaluated: 2018-01-13. Review status: criteria provided, single submitter. Criteria: ICSL Variant Classification Criteria 13 December 2019. Collection method: clinical testing. Allele origin: germline.

Illumina Laboratory Services, Illumina
Classification: Uncertain significance for Potassium-aggravated myotonia. Last evaluated: 2018-01-13. Review status: criteria provided, single submitter. Criteria: ICSL Variant Classification Criteria 13 December 2019. Collection method: clinical testing. Allele origin: germline.

Illumina Laboratory Services, Illumina
Classification: Uncertain significance for Congenital myasthenic syndrome 16. Last evaluated: 2018-01-13. Review status: criteria provided, single submitter. Criteria: ICSL Variant Classification Criteria 13 December 2019. Collection method: clinical testing. Allele origin: germline.

Literature cited by the submitters: PubMed 32670189 (cited by 3 submitters); PubMed 33325393 (cited by Athena Diagnostics); PubMed 30390395 (cited by Athena Diagnostics).